The following is an entry in ClinVar:

NM_001365276.2(TNXB):c.7186C>T (p.Pro2396Ser)

Gene: TNXB (tenascin XB; minus strand). Cytogenetic location: 6p21.33.
Variant type: single nucleotide variant.
Coding change: c.7186C>T on transcript NM_001365276.2 (MANE Select); coding-DNA position 7186, C replaced by T.
Protein change: p.Pro2396Ser; replaces proline 2396 with serine.
Molecular consequence: missense variant.
Genome position (GRCh38, 1-based): chr6:32,061,703, G>A on the plus strand (C>T on the coding strand, the complement: TNXB is on the minus strand). VCF-style: chr6-32061703-G-A. GRCh37 (hg19) VCF-style: chr6-32029480-G-A.
Other names: c.7186C>T, p.Pro2396Ser (NM_019105.8); short protein forms P2396S.
Identifiers: ClinVar variation 1703906 (VCV001703906.4), dbSNP rs1304810390, ClinGen allele CA363553420.

ClinVar aggregate classification (germline): Uncertain significance. Review status: criteria provided, multiple submitters, no conflicts (2 of 4 stars). 2 submissions from 2 submitters: Uncertain significance (2). Last evaluated 2022-03-01.

Conditions:
Cardiovascular phenotype. Identifiers: MedGen CN230736.

Allele frequency attached by ClinVar (database versions not stated): TOPMed below 0.00001; gnomAD 0.00001.
gnomAD v4.1: 3 of 1,611,578 alleles (0.00019%); highest among the groups gnomAD compares: East Asian, 0.0022%; no homozygotes.

Submissions (2):

GeneDx
Classification: Uncertain significance. Last evaluated: 2022-03-01. Review status: criteria provided, single submitter. Criteria: GeneDx Variant Classification Process June 2021. Collection method: clinical testing. Allele origin: germline. Affected: yes.
Comment: Has not been previously published as pathogenic or benign to our knowledge; Not observed at significant frequency in large population cohorts (gnomAD); In silico analysis supports that this missense variant has a deleterious effect on protein structure/function

Ambry Genetics
Classification: Uncertain significance for Cardiovascular phenotype. Last evaluated: 2021-10-01. Review status: criteria provided, single submitter. Criteria: Ambry Variant Classification Scheme 2023. Collection method: clinical testing. Allele origin: germline.
Comment: The p.P2396S variant (also known as c.7186C>T), located in coding exon 20 of the TNXB gene, results from a C to T substitution at nucleotide position 7186. The proline at codon 2396 is replaced by serine, an amino acid with similar properties. This amino acid position is conserved. In addition, this alteration is predicted to be tolerated by in silico analysis. Since supporting evidence is limited at this time, the clinical significance of this alteration remains unclear.